The following is an entry in ClinVar:

ClinVar aggregate classification (germline): Pathogenic. Review status: criteria provided, single submitter (1 of 4 stars). 2 submissions from 2 submitters: Pathogenic (1). 1 of the submissions does not count toward it. Last evaluated 2025-03-01.

Conditions:
Severe combined immunodeficiency, autosomal recessive, T cell-negative, B cell-negative, NK cell-positive. Also called: SCID, T CELL-NEGATIVE, B CELL-NEGATIVE, NK CELL-POSITIVE; SCID, AR, T-cell negative, B-cell negative, NK cell-positive; Severe combined immunodeficiency due to complete RAG1/2 deficiency. Identifiers: Orphanet 331206, MedGen C1832322, MONDO:0011086, OMIM 601457.
Combined immunodeficiency with skin granulomas. Identifiers: Orphanet 157949, MedGen C2673536, MONDO:0009306, OMIM 233650.
Histiocytic medullary reticulosis. Also called: SEVERE COMBINED IMMUNODEFICIENCY WITH HYPEREOSINOPHILIA; Omenn syndrome. Identifiers: Orphanet 39041, MedGen C2700553, MONDO:0011338, OMIM 603554.

Allele frequency attached by ClinVar (database versions not stated): gnomAD 0.00001; gnomAD exomes 0.00001; TOPMed 0.00001; ExAC 0.00002.
gnomAD v4.1: 19 of 1,614,022 alleles (0.0012%); highest among the groups gnomAD compares: Non-Finnish European, 0.0015%; no homozygotes.

Submissions (2):

Labcorp Genetics (formerly Invitae), Labcorp
Classification: Pathogenic for Combined immunodeficiency with skin granulomas; Severe combined immunodeficiency, autosomal recessive, T cell-negative, B cell-negative, NK cell-positive. Last evaluated: 2025-03-01. Review status: criteria provided, single submitter. Criteria: Invitae Variant Classification Sherloc (09022015). Collection method: clinical testing. Allele origin: germline.
Comment: This sequence change replaces cysteine, which is neutral and slightly polar, with tyrosine, which is neutral and polar, at codon 423 of the RAG2 protein (p.Cys423Tyr). This variant is present in population databases (rs768567592, gnomAD 0.003%). This missense change has been observed in individual(s) with clinical features of severe combined immunodeficiency (internal data). In at least one individual the data is consistent with being in trans (on the opposite chromosome) from a pathogenic variant. ClinVar contains an entry for this variant (Variation ID: 536960). Invitae Evidence Modeling of protein sequence and biophysical properties (such as structural, functional, and spatial information, amino acid conservation, physicochemical variation, residue mobility, and thermodynamic stability) indicates that this missense variant is expected to disrupt RAG2 protein function with a positive predictive value of 95%. For these reasons, this variant has been classified as Pathogenic.

Natera, Inc.
Classification: Uncertain significance for Omenn syndrome. Last evaluated: 2021-08-16. Review status: no assertion criteria provided. Collection method: clinical testing. Allele origin: germline. Not counted in ClinVar's aggregate classification.

NM_000536.4(RAG2):c.1268G>A (p.Cys423Tyr)

Gene: RAG2 (recombination activating 2; minus strand). Cytogenetic location: 11p12.
Variant type: single nucleotide variant.
Coding change: c.1268G>A on transcript NM_000536.4 (MANE Select); coding-DNA position 1268, G replaced by A.
Protein change: p.Cys423Tyr; replaces cysteine 423 with tyrosine.
Molecular consequence: missense variant.
Genome position (GRCh38, 1-based): chr11:36,592,901, C>T on the plus strand (G>A on the coding strand, the complement: RAG2 is on the minus strand). VCF-style: chr11-36592901-C-T. GRCh37 (hg19) VCF-style: chr11-36614451-C-T.
Other names: c.1268G>A, p.Cys423Tyr (NM_001243785.2, NM_001243786.2); short protein forms C423Y.
Identifiers: ClinVar variation 536960 (VCV000536960.10), dbSNP rs768567592, ClinGen allele CA5950444.